The following is an entry in ClinVar:

ClinVar aggregate classification (germline): Conflicting classifications of pathogenicity. Review status: criteria provided, conflicting classifications (1 of 4 stars). 8 submissions from 8 submitters: Uncertain significance (3); Benign (1); Likely benign (3). 1 of the submissions does not count toward it. Last evaluated 2026-01-19.

Conditions:
ERCC6L2-related disorder. Also called: ERCC6L2-related condition.
Inborn genetic diseases. Identifiers: MedGen C0950123, MeSH D030342.
Pancytopenia-developmental delay syndrome. Also called: Bone marrow failure syndrome 2. Identifiers: Orphanet 401764, MedGen C3810350, MONDO:0014317, OMIM 615715.

Allele frequency attached by ClinVar (database versions not stated): ESP Exome Variant Server 0.00023; gnomAD 0.00027 and 0.00029; ExAC 0.00033; gnomAD exomes 0.00039; TOPMed 0.00044.
gnomAD v4.1: 335 of 1,608,670 alleles (0.021%); highest among the groups gnomAD compares: Admixed American, 0.13%; 2 homozygotes.

Submissions (8):

Labcorp Genetics (formerly Invitae), Labcorp
Classification: Benign. Last evaluated: 2026-01-19. Review status: criteria provided, single submitter. Criteria: Invitae Variant Classification Sherloc (09022015). Collection method: clinical testing. Allele origin: germline.

Blueprint Genetics
Classification: Likely benign. Last evaluated: 2024-10-30. Review status: criteria provided, single submitter. Criteria: ACMG Guidelines, 2015. Collection method: clinical testing. Allele origin: germline.

St. Jude Molecular Pathology, St. Jude Children's Research Hospital
Classification: Uncertain significance for Pancytopenia-developmental delay syndrome. Last evaluated: 2024-07-03. Review status: criteria provided, single submitter. Criteria: St. Jude Assertion Criteria 2020. Collection method: clinical testing. Allele origin: germline.
Comment: The ERCC6L2 c.379C>G (p.Gln127Glu) missense change has a maximum subpopulation frequency of 0.12% in gnomAD v2.1.1. The in silico tool REVEL predicts a deleterious effect on protein function, but to our knowledge this prediction has not been confirmed by functional studies. To our knowledge, this variant has not been reported in individuals with ERCC6L2-associated bone marrow failure. In summary, the evidence currently available is insufficient to determine the clinical significance of this variant. It has therefore been classified as of uncertain significance.

GeneDx
Classification: Uncertain significance. Last evaluated: 2022-11-18. Review status: criteria provided, single submitter. Criteria: GeneDx Variant Classification Process June 2021. Collection method: clinical testing. Allele origin: germline. Affected: yes.
Comment: Has not been previously reported in peer-reviewed literature as pathogenic or benign to our knowledge. However, in a thesis by Garcia (2021), this variant was observed with a second ERCC6L2 variant in a patient with neurodevelopmental disorder, congenital anomalies, and dysmorphic features. This patient was also noted to have variants in another gene that may have also contributed to the phenotype; In silico analysis supports that this missense variant has a deleterious effect on protein structure/function; This variant is associated with the following publications: (PMID: Garcia_2021_Thesis)

Genetic Services Laboratory, University of Chicago
Classification: Likely benign. Last evaluated: 2022-01-19. Review status: criteria provided, single submitter. Criteria: ACMG Guidelines, 2015. Collection method: clinical testing. Allele origin: germline. Affected: no.

Ambry Genetics
Classification: Uncertain significance for Inborn genetic diseases. Last evaluated: 2021-09-17. Review status: criteria provided, single submitter. Criteria: Ambry Variant Classification Scheme 2023. Collection method: clinical testing. Allele origin: germline.

Breakthrough Genomics
Classification: Likely benign. Review status: criteria provided, single submitter. Criteria: ACMG Guidelines, 2015. Collection method: not provided. Allele origin: germline. Inheritance: Autosomal recessive inheritance. Affected: yes.

PreventionGenetics, part of Exact Sciences
Classification: Likely benign for ERCC6L2-related condition. Last evaluated: 2024-08-09. Review status: no assertion criteria provided. Collection method: clinical testing. Allele origin: germline. Not counted in ClinVar's aggregate classification.
Comment: This variant is classified as likely benign based on ACMG/AMP sequence variant interpretation guidelines (Richards et al. 2015 PMID: 25741868, with internal and published modifications).

NM_020207.7(ERCC6L2):c.379C>G (p.Gln127Glu)

Gene: ERCC6L2 (ERCC excision repair 6 like 2; plus strand). Cytogenetic location: 9q22.32.
Variant type: single nucleotide variant.
Coding change: c.379C>G on transcript NM_020207.7 (MANE Select); coding-DNA position 379, C replaced by G.
Protein change: p.Gln127Glu; replaces glutamine 127 with glutamic acid.
Molecular consequence: missense variant. On other transcripts: non-coding transcript variant (1).
Genome position (GRCh38, 1-based): chr9:95,881,201, C>G. VCF-style: chr9-95881201-C-G. GRCh37 (hg19) VCF-style: chr9-98643483-C-G.
Other names: c.379C>G, p.Gln127Glu (NM_001010895.4, NM_001375291.1, NM_001375292.1 and 2 more transcripts); c.379C>G (NM_001010895.3); short protein forms Q127E.
Identifiers: ClinVar variation 728402 (VCV000728402.18), dbSNP rs146075543, ClinGen allele CA5139278.
Genomic context (GRCh38, chr9:95,881,201, plus strand): 5'-AAATTATCTGACAATGGAGACTCTATTCCTTATACCATCAATAGGTATTTGAGAGACTAC[C>G]AAAGAGAAGGAACCCGGTTTCTTTATGGACACTACATCCATGGAGGAGGGTGCATTCTGG-3'
Protein context (NP_064592.3, residues 117-137): YTINRYLRDY[Gln127Glu]REGTRFLYGH